The following is an entry in ClinVar:

NM_001145358.2(SIN3A):c.92A>G (p.His31Arg)

Gene: SIN3A (SIN3 transcription regulator family member A; minus strand). Cytogenetic location: 15q24.2.
Variant type: single nucleotide variant.
Coding change: c.92A>G on transcript NM_001145358.2 (MANE Select); coding-DNA position 92, A replaced by G.
Protein change: p.His31Arg; replaces histidine 31 with arginine.
Molecular consequence: missense variant.
Genome position (GRCh38, 1-based): chr15:75,430,284, T>C on the plus strand (A>G on the coding strand, the complement: SIN3A is on the minus strand). VCF-style: chr15-75430284-T-C. GRCh37 (hg19) VCF-style: chr15-75722625-T-C.
Other names: c.92A>G, p.His31Arg (NM_001145357.2, NM_015477.3); short protein forms H31R.
Identifiers: ClinVar variation 3255058 (VCV003255058.2), dbSNP rs2542788602.

ClinVar aggregate classification (germline): Uncertain significance (1 of 4 stars; one submission).

Conditions:
SIN3A-related intellectual disability syndrome due to a point mutation. Also called: 15q24 Microdeletion Syndrome; WITTEVEEN-KOLK SYNDROME. Identifiers: Orphanet 500166, Orphanet 94065, MedGen C4310804, MONDO:0044700, OMIM 613406.

Submission:

Victorian Clinical Genetics Services, Murdoch Childrens Research Institute
Classification: Uncertain significance for SIN3A-related intellectual disability syndrome due to a point mutation. Last evaluated: 2024-09-19. Review status: criteria provided, single submitter. Criteria: ACMG Guidelines, 2015. Collection method: clinical testing. Allele origin: germline. Inheritance: Autosomal dominant inheritance. Affected: yes.
Comment: Based on the classification scheme VCGS_Germline_v1.3.4, this variant is classified as VUS-3A. Following criteria are met: 0102 - Loss of function is a known mechanism of disease in this gene and is associated with Witteveen-Kolk syndrome (MIM#613406). (I) 0107 - This gene is associated with autosomal dominant disease. (I) 0200 - Variant is predicted to result in a missense amino acid change from histidine to arginine. (I) 0251 - This variant is heterozygous. (I) 0301 - Variant is absent from gnomAD (both v2 and v3). (SP) 0502 - Missense variant with conflicting in silico predictions and high conservation. (I) 0604 - Variant is not located in an established domain, motif, hotspot or informative constraint region. (I) 0705 - No comparable missense variants have previous evidence for pathogenicity. (I) 0807 - This variant has no previous evidence of pathogenicity. (I) 0905 - No published segregation evidence has been identified for this variant. (I) 1007 - No published functional evidence has been identified for this variant. (SP) Legend: (SP) - Supporting pathogenic, (I) - Information, (SB) - Supporting benign